The following is an entry in ClinVar:

ClinVar aggregate classification (germline): Uncertain significance (1 of 4 stars; one submission).

Submission:

Ambry Genetics
Classification: Uncertain significance. Last evaluated: 2022-02-24. Review status: criteria provided, single submitter. Criteria: Ambry Variant Classification Scheme 2023. Collection method: clinical testing. Allele origin: germline.
Comment: The p.P75R variant (also known as c.224C>G), located in coding exon 1 of the EGLN2 gene, results from a C to G substitution at nucleotide position 224. The proline at codon 75 is replaced by arginine, an amino acid with dissimilar properties. This amino acid position is conserved. In addition, this alteration is predicted to be tolerated by in silico analysis. Since supporting evidence is limited at this time, the clinical significance of this alteration remains unclear.

NM_080732.4(EGLN2):c.224C>G (p.Pro75Arg)

Genes: EGLN2 (egl-9 family hypoxia inducible factor 2; plus strand), RAB4B-EGLN2 (RAB4B-EGLN2 readthrough (NMD candidate); plus strand). Cytogenetic location: 19q13.2.
Variant type: single nucleotide variant.
Coding change: c.224C>G on transcript NM_080732.4 (MANE Select); coding-DNA position 224, C replaced by G.
Protein change: p.Pro75Arg; replaces proline 75 with arginine.
Molecular consequence: missense variant. On other transcripts: non-coding transcript variant (1).
Genome position (GRCh38, 1-based): chr19:40,800,796, C>G. VCF-style: chr19-40800796-C-G. GRCh37 (hg19) VCF-style: chr19-41306701-C-G.
Other names: c.224C>G, p.Pro75Arg (NM_053046.4); short protein forms P75R.
Identifiers: ClinVar variation 1788393 (VCV001788393.2), dbSNP rs1599758188, ClinGen allele CA405954811.